The following is an entry in ClinVar:

ClinVar aggregate classification (germline): Uncertain significance (1 of 4 stars; one submission).

Allele frequency attached by ClinVar (database versions not stated): gnomAD 0.00001; TOPMed 0.00002.
gnomAD v4.1: 2 of 1,612,458 alleles (0.00012%); highest among the groups gnomAD compares: African/African-American, 0.0027%; no homozygotes.

Submission:

GeneDx
Classification: Uncertain significance. Last evaluated: 2022-09-01. Review status: criteria provided, single submitter. Criteria: GeneDx Variant Classification Process June 2021. Collection method: clinical testing. Allele origin: germline. Affected: yes.
Comment: Not observed at significant frequency in large population cohorts (gnomAD); In silico analysis supports a deleterious effect on splicing; Has not been previously published as pathogenic or benign to our knowledge

NM_173630.4(RTTN):c.3682A>C (p.Arg1228=)

Gene: RTTN (rotatin; minus strand). Cytogenetic location: 18q22.2.
Variant type: single nucleotide variant.
Coding change: c.3682A>C on transcript NM_173630.4 (MANE Select); coding-DNA position 3682, A replaced by C.
Protein change: p.Arg1228=; no amino-acid change (arginine 1228 retained).
Molecular consequence: synonymous variant.
Genome position (GRCh38, 1-based): chr18:70,114,446, T>G on the plus strand (A>C on the coding strand, the complement: RTTN is on the minus strand). VCF-style: chr18-70114446-T-G. GRCh37 (hg19) VCF-style: chr18-67781682-T-G.
Other names: c.946A>C, p.Arg316= (NM_001318520.2).
Identifiers: ClinVar variation 2442570 (VCV002442570.1), dbSNP rs2059552241, ClinGen allele CA504326955.